The following is an entry in ClinVar:

NM_133379.5(TTN):c.15304A>G (p.Thr5102Ala)

Gene: TTN (titin; minus strand). Cytogenetic location: 2q31.2.
Variant type: single nucleotide variant.
Coding change: c.15304A>G on transcript NM_133379.5; coding-DNA position 15304, A replaced by G.
Protein change: p.Thr5102Ala; replaces threonine 5102 with alanine.
Molecular consequence: missense variant. On other transcripts: intron variant (6).
Genome position (GRCh38, 1-based): chr2:178,747,096, T>C on the plus strand (A>G on the coding strand, the complement: TTN is on the minus strand). VCF-style: chr2-178747096-T-C. GRCh37 (hg19) VCF-style: chr2-179611823-T-C.
Other names: p.T5102A:ACT>GCT; c.10223-5175A>G (NM_003319.4); c.10799-5175A>G (NM_133437.4); c.10598-5175A>G (NM_133432.3); c.10360+6028A>G (NM_133378.4); c.10361-5175A>G (NM_001256850.1); c.11312-5175A>G (NM_001267550.2); short protein forms T5102A.
Identifiers: ClinVar variation 203207 (VCV000203207.3), dbSNP rs371168275, ClinGen allele CA311680.

ClinVar aggregate classification (germline): Uncertain significance. Review status: criteria provided, multiple submitters, no conflicts (2 of 4 stars). 2 submissions from 2 submitters: Uncertain significance (2). Last evaluated 2021-07-27.

Conditions:
Myopathy, myofibrillar, 9, with early respiratory failure (MFM9). Also called: EDSTROM MYOPATHY; MYOPATHY, PROXIMAL, WITH EARLY RESPIRATORY MUSCLE INVOLVEMENT; Myopathy, distal, with early respiratory failure, autosomal dominant; Hereditary myopathy with early respiratory failure. Identifiers: Orphanet 178464, Orphanet 34521, MedGen C1863599, MONDO:0011362, OMIM 603689.
Early-onset myopathy with fatal cardiomyopathy (CMYO5). Also called: CONGENITAL MYOPATHY 5 WITH CARDIOMYOPATHY; Salih Myopathy. Identifiers: Orphanet 289377, MedGen C2673677, MONDO:0012714, OMIM 611705. Disease mechanism: loss of function.
Hypertrophic cardiomyopathy 9. Also called: Familial hypertrophic cardiomyopathy 9. Identifiers: MedGen C1861065, MONDO:0013412, OMIM 613765.
Dilated cardiomyopathy 1G (CMD1G). Identifiers: Orphanet 154, MedGen C1858763, MONDO:0011400, OMIM 604145.
Tibial muscular dystrophy (TMD). Also called: UDD MYOPATHY; Tibial muscular dystrophy, tardive; Udd Distal Myopathy – Tibial Muscular Dystrophy. Identifiers: Orphanet 609, MedGen C1838244, MONDO:0010870, OMIM 600334.
Autosomal recessive limb-girdle muscular dystrophy type 2J (LGMDR10). Also called: MUSCULAR DYSTROPHY, LIMB-GIRDLE, AUTOSOMAL RECESSIVE 10; Limb-girdle muscular dystrophy, type 2J. Identifiers: Orphanet 140922, MedGen C1837342, MONDO:0012127, OMIM 608807.

Allele frequency attached by ClinVar (database versions not stated): gnomAD exomes below 0.00001 and 0.00001.

Submissions (2):

Fulgent Genetics
Classification: Uncertain significance for Tibial muscular dystrophy; Myopathy, myofibrillar, 9, with early respiratory failure; Dilated cardiomyopathy 1G; Autosomal recessive limb-girdle muscular dystrophy type 2J; Early-onset myopathy with fatal cardiomyopathy; Hypertrophic cardiomyopathy 9. Last evaluated: 2021-07-27. Review status: criteria provided, single submitter. Criteria: ACMG Guidelines, 2015. Collection method: clinical testing. Allele origin: unknown.

GeneDx
Classification: Uncertain significance. Last evaluated: 2014-05-29. Review status: criteria provided, single submitter. Criteria: GeneDx Variant Classification (06012015). Collection method: clinical testing. Allele origin: germline. Affected: yes.
Comment: Missense variants in the TTN gene are considered 'unclassified' if they are not previously reported in the literature and do not have >1% frequency in the population to be considered a polymorphism. Research indicates that truncating mutations in the TTN gene are expected to account for approximately 25% of familial and 18% of sporadic idiopathic DCM; however, truncating variants in the TTN gene have been reported in approximately 3% of reported control alleles. There has been little investigation into non-truncating variants. (Herman D et al. Truncations of titin causing dilated cardiomyopathy. N Eng J Med 366:619-628, 2012) The variant is found in DCM-CRDM panel(s).